The following is an entry in ClinVar:

NM_052947.4(ALPK2):c.3064T>C (p.Tyr1022His)

Gene: ALPK2 (alpha kinase 2; minus strand). Cytogenetic location: 18q21.31.
Variant type: single nucleotide variant.
Coding change: c.3064T>C on transcript NM_052947.4 (MANE Select); coding-DNA position 3064, T replaced by C.
Protein change: p.Tyr1022His; replaces tyrosine 1022 with histidine.
Molecular consequence: missense variant.
Genome position (GRCh38, 1-based): chr18:58,537,123, A>G on the plus strand (T>C on the coding strand, the complement: ALPK2 is on the minus strand). VCF-style: chr18-58537123-A-G. GRCh37 (hg19) VCF-style: chr18-56204355-A-G.
Other names: short protein forms Y1022H.
Identifiers: ClinVar variation 1799414 (VCV001799414.2), dbSNP rs2518876936, ClinGen allele CA402569183.

ClinVar aggregate classification (germline): Uncertain significance (1 of 4 stars; one submission).

Allele frequency attached by ClinVar (database versions not stated): gnomAD exomes below 0.00001.
gnomAD v4.1: 2 of 1,614,160 alleles (0.00012%); highest among the groups gnomAD compares: African/African-American, 0.0013%; no homozygotes.

Submission:

Ambry Genetics
Classification: Uncertain significance. Last evaluated: 2022-09-30. Review status: criteria provided, single submitter. Criteria: Ambry Variant Classification Scheme 2023. Collection method: clinical testing. Allele origin: germline.
Comment: The p.Y1022H variant (also known as c.3064T>C), located in coding exon 4 of the ALPK2 gene, results from a T to C substitution at nucleotide position 3064. The tyrosine at codon 1022 is replaced by histidine, an amino acid with similar properties. This amino acid position is conserved. In addition, this alteration is predicted to be tolerated by in silico analysis. Since supporting evidence is limited at this time, the clinical significance of this alteration remains unclear.